The following is an entry in ClinVar:

ClinVar aggregate classification (germline): Conflicting classifications of pathogenicity. Review status: criteria provided, conflicting classifications (1 of 4 stars). 2 submissions from 2 submitters: Likely pathogenic (1); Uncertain significance (1). Last evaluated 2024-10-03.

Conditions:
BEST1-related disorder. Also called: BEST1-related condition; BEST1-related disorders. Identifiers: MedGen CN239200.

Allele frequency attached by ClinVar (database versions not stated): gnomAD exomes below 0.00001.
gnomAD v4.1: 7 of 1,614,240 alleles (0.00043%); highest among the groups gnomAD compares: Non-Finnish European, 0.00059%; no homozygotes.

Submissions (2):

Labcorp Genetics (formerly Invitae), Labcorp
Classification: Uncertain significance. Last evaluated: 2024-10-03. Review status: criteria provided, single submitter. Criteria: Invitae Variant Classification Sherloc (09022015). Collection method: clinical testing. Allele origin: germline.
Comment: This sequence change replaces phenylalanine, which is neutral and non-polar, with leucine, which is neutral and non-polar, at codon 276 of the BEST1 protein (p.Phe276Leu). This variant is not present in population databases (gnomAD no frequency). This missense change has been observed in individual(s) with autosomal dominant Best vitelliform macular dystrophy (PMID: 10798642). ClinVar contains an entry for this variant (Variation ID: 2129991). Invitae Evidence Modeling of protein sequence and biophysical properties (such as structural, functional, and spatial information, amino acid conservation, physicochemical variation, residue mobility, and thermodynamic stability) indicates that this missense variant is expected to disrupt BEST1 protein function with a positive predictive value of 95%. Experimental studies have shown that this missense change does not substantially affect BEST1 function (PMID: 17110374). In summary, the available evidence is currently insufficient to determine the role of this variant in disease. Therefore, it has been classified as a Variant of Uncertain Significance.

Blueprint Genetics
Classification: Likely pathogenic for BEST1-related disorders. Last evaluated: 2024-02-02. Review status: criteria provided, single submitter. Criteria: ACMG Guidelines, 2015. Collection method: clinical testing. Allele origin: germline. Affected: yes. Observed: 5 variant alleles.

Literature cited by the submitters: PubMed 10798642 (cited by Labcorp Genetics (formerly Invitae), Labcorp); PubMed 17110374 (cited by Labcorp Genetics (formerly Invitae), Labcorp).

NM_004183.4(BEST1):c.826T>C (p.Phe276Leu)

Gene: BEST1 (bestrophin 1; plus strand). Cytogenetic location: 11q12.3.
Variant type: single nucleotide variant.
Coding change: c.826T>C on transcript NM_004183.4 (MANE Select); coding-DNA position 826, T replaced by C.
Protein change: p.Phe276Leu; replaces phenylalanine 276 with leucine.
Molecular consequence: missense variant. On other transcripts: non-coding transcript variant (1).
Genome position (GRCh38, 1-based): chr11:61,958,257, T>C. VCF-style: chr11-61958257-T-C. GRCh37 (hg19) VCF-style: chr11-61725729-T-C.
Other names: c.646T>C, p.Phe216Leu (NM_001139443.3, NM_001300786.2, NM_001300787.2); c.508T>C, p.Phe170Leu (NM_001363591.3); c.826T>C, p.Phe276Leu (NM_001363592.2); c.-350T>C (NM_001363593.3); short protein forms F170L, F216L, F276L.
Identifiers: ClinVar variation 2129991 (VCV002129991.5), dbSNP rs2541384667, ClinGen allele CA380840065.